The following is an entry in ClinVar:

ClinVar aggregate classification (germline): Likely benign. Review status: criteria provided, single submitter (1 of 4 stars). 2 submissions from 2 submitters: Likely benign (1). 1 of the submissions does not count toward it. Last evaluated 2023-03-01.

Conditions:
EP300-related disorder. Also called: EP300-related condition; EP300-related disorders.

gnomAD v4.1: 6 of 1,614,162 alleles (0.00037%); highest among the groups gnomAD compares: Non-Finnish European, 0.00042%; no homozygotes.

Submissions (2):

CeGaT Center for Human Genetics Tuebingen
Classification: Likely benign. Last evaluated: 2023-03-01. Review status: criteria provided, single submitter. Criteria: CeGaT Center For Human Genetics Tuebingen Variant Classification Criteria Version 2. Collection method: clinical testing. Allele origin: germline. Affected: yes. Observed: 1 variant allele.
Comment: EP300: BP4, BP7

PreventionGenetics, part of Exact Sciences
Classification: Likely benign for EP300-related condition. Last evaluated: 2023-01-05. Review status: no assertion criteria provided. Collection method: clinical testing. Allele origin: germline. Not counted in ClinVar's aggregate classification.
Comment: This variant is classified as likely benign based on ACMG/AMP sequence variant interpretation guidelines (Richards et al. 2015 PMID: 25741868, with internal and published modifications).

NM_001429.4(EP300):c.6600A>G (p.Gly2200=)

Gene: EP300 (EP300 lysine acetyltransferase; plus strand). Cytogenetic location: 22q13.2.
Variant type: single nucleotide variant.
Coding change: c.6600A>G on transcript NM_001429.4 (MANE Select); coding-DNA position 6600, A replaced by G.
Protein change: p.Gly2200=; no amino-acid change (glycine 2200 retained).
Molecular consequence: synonymous variant.
Genome position (GRCh38, 1-based): chr22:41,178,311, A>G. VCF-style: chr22-41178311-A-G. GRCh37 (hg19) VCF-style: chr22-41574315-A-G.
Other names: c.6522A>G, p.Gly2174= (NM_001362843.2); c.6600A>G (NM_001429.3).
Identifiers: ClinVar variation 2653215 (VCV002653215.25), dbSNP rs751169831, ClinGen allele CA10253898.